The following is an entry in ClinVar:

NM_004100.5(EYA4):c.278-9_278-7del

Genes: EYA4-AS2 (EYA4 antisense RNA 2; minus strand), EYA4 (EYA transcriptional coactivator and phosphatase 4; plus strand). Cytogenetic location: 6q23.2.
Variant type: Microsatellite.
Coding change: c.278-9_278-7del on transcript NM_004100.5 (MANE Select); 9 bases into the intron before coding-DNA position 278 through 7 bases into the intron before coding-DNA position 278, 3 bases deleted (TCT; older notation c.278-9_278-7delTCT).
Molecular consequence: intron variant.
Genome position (GRCh38, 1-based): chr6:133,456,547-133,456,549, TCT deleted; deleting any 3 consecutive bases within chr6:133,456,543-133,456,549 gives the same sequence; the c. name uses the placement nearest the transcript's 3' end. VCF-style (leftmost placement, unchanged base first): chr6-133456542-ATTC-A. GRCh37 (hg19) VCF-style: chr6-133777680-ATTC-A.
Other names: c.278-9_278-7del (NM_001301013.2, NM_172105.4); c.209-9_209-7del (NM_001370458.1, NM_172103.4); c.209-4567_209-4565del (NM_001370459.1, NM_001301012.2).
Identifiers: ClinVar variation 3678515 (VCV003678515.2).
Genomic context (GRCh38, chr6:133,456,542, plus strand): 5'-TCACTAGTAGAACGGACAGAGTCTTTGACATAAATTTAGAAGTAAAACTCACATGTACTT[ATTC>A]TTCTACGTAGTGTCTCTTCTTGCAGTCAAAACAGAGCCCTTGAACAGCAGTGAAACCACA-3'

ClinVar aggregate classification (germline): Uncertain significance (1 of 4 stars; one submission).

Conditions:
Dilated cardiomyopathy 1J (CMD1J). Also called: CARDIOMYOPATHY, DILATED, WITH SENSORINEURAL HEARING LOSS, AUTOSOMAL DOMINANT. Identifiers: Orphanet 217622, MedGen C1854368, MONDO:0011541, OMIM 605362.

Submission:

Labcorp Genetics (formerly Invitae), Labcorp
Classification: Uncertain significance for Dilated cardiomyopathy 1J. Last evaluated: 2024-06-22. Review status: criteria provided, single submitter. Criteria: Invitae Variant Classification Sherloc (09022015). Collection method: clinical testing. Allele origin: germline.
Comment: This sequence change falls in intron 5 of the EYA4 gene. It does not directly change the encoded amino acid sequence of the EYA4 protein. This variant is not present in population databases (gnomAD no frequency). This variant has not been reported in the literature in individuals affected with EYA4-related conditions. Algorithms developed to predict the effect of sequence changes on RNA splicing suggest that this variant may disrupt the consensus splice site. In summary, the available evidence is currently insufficient to determine the role of this variant in disease. Therefore, it has been classified as a Variant of Uncertain Significance.